The following is an entry in ClinVar:

ClinVar aggregate classification (germline): Pathogenic (1 of 4 stars; one submission).

Conditions:
Capillary malformation-arteriovenous malformation syndrome. Also called: Capillary malformation-arteriovenous malformation. Identifiers: Orphanet 137667, MedGen C1842180, MONDO:0012016.

Submission:

Labcorp Genetics (formerly Invitae), Labcorp
Classification: Pathogenic for Capillary malformation-arteriovenous malformation syndrome. Last evaluated: 2023-02-21. Review status: criteria provided, single submitter. Criteria: Invitae Variant Classification Sherloc (09022015). Collection method: clinical testing. Allele origin: germline.
Comment: For these reasons, this variant has been classified as Pathogenic. This variant has not been reported in the literature in individuals affected with RASA1-related conditions. This variant is not present in population databases (gnomAD no frequency). This sequence change creates a premature translational stop signal (p.Asp775Glufs*8) in the RASA1 gene. It is expected to result in an absent or disrupted protein product. Loss-of-function variants in RASA1 are known to be pathogenic (PMID: 24038909).

Literature cited by the submitters: PubMed 24038909.

NM_002890.3(RASA1):c.2325_2326del (p.Asp775fs)

Genes: CCNH (cyclin H; minus strand), RASA1 (RAS p21 protein activator 1; plus strand). Cytogenetic location: 5q14.3.
Variant type: Deletion.
Coding change: c.2325_2326del on transcript NM_002890.3 (MANE Select); coding-DNA positions 2325 to 2326, 2 bases deleted (CA; older notation c.2325_2326delCA).
Protein change: p.Asp775fs; shifts the reading frame from aspartic acid 775.
Molecular consequence: frameshift variant. On other transcripts: intron variant (1).
Genome position (GRCh38, 1-based): chr5:87,377,021-87,377,022, CA deleted; deleting any 2 consecutive bases within chr5:87,377,020-87,377,022 gives the same sequence; the c. name uses the placement nearest the transcript's 3' end. VCF-style (leftmost placement, unchanged base first): chr5-87377019-GAC-G. GRCh37 (hg19) VCF-style: chr5-86672836-GAC-G.
Other names: c.1794_1795del, p.Asp598fs (NM_022650.3); c.933+18023_933+18024del (NM_001364075.2); short protein forms D598fs, D775fs.
Identifiers: ClinVar variation 2839497 (VCV002839497.3), dbSNP rs2531350156, ClinGen allele CA2739274957.